The following is an entry in ClinVar:

ClinVar aggregate classification (germline): Uncertain significance (1 of 4 stars; one submission).

Submission:

Labcorp Genetics (formerly Invitae), Labcorp
Classification: Uncertain significance. Last evaluated: 2021-04-16. Review status: criteria provided, single submitter. Criteria: Invitae Variant Classification Sherloc (09022015). Collection method: clinical testing. Allele origin: germline.
Comment: In summary, the available evidence is currently insufficient to determine the role of this variant in disease. Therefore, it has been classified as a Variant of Uncertain Significance. This variant has not been reported in the literature in individuals with ABCA4-related conditions. Algorithms developed to predict the effect of missense changes on protein structure and function output the following: SIFT: "Tolerated"; PolyPhen-2: "Benign"; Align-GVGD: "Class C0". The arginine amino acid residue is found in multiple mammalian species, suggesting that this missense change does not adversely affect protein function. These predictions have not been confirmed by published functional studies and their clinical significance is uncertain. Algorithms developed to predict the effect of sequence changes on RNA splicing suggest that this variant may disrupt the consensus splice site, but this prediction has not been confirmed by published transcriptional studies. This sequence change replaces lysine with arginine at codon 2049 of the ABCA4 protein (p.Lys2049Arg). The lysine residue is moderately conserved and there is a small physicochemical difference between lysine and arginine. This variant is not present in population databases (ExAC no frequency).

NM_000350.3(ABCA4):c.6146A>G (p.Lys2049Arg)

Gene: ABCA4 (ATP binding cassette subfamily A member 4; minus strand). Cytogenetic location: 1p22.1.
Variant type: single nucleotide variant.
Coding change: c.6146A>G on transcript NM_000350.3 (MANE Select); coding-DNA position 6146, A replaced by G.
Protein change: p.Lys2049Arg; replaces lysine 2049 with arginine.
Molecular consequence: missense variant.
Genome position (GRCh38, 1-based): chr1:94,005,442, T>C on the plus strand (A>G on the coding strand, the complement: ABCA4 is on the minus strand). VCF-style: chr1-94005442-T-C. GRCh37 (hg19) VCF-style: chr1-94470998-T-C.
Other names: c.5924A>G, p.Lys1975Arg (NM_001425324.1); short protein forms K2049R, K1975R.
Identifiers: ClinVar variation 1465691 (VCV001465691.8), dbSNP rs760481450, ClinGen allele CA341278811.